The following is an entry in ClinVar:

NM_145290.4(ADGRA3):c.2988C>T (p.Leu996=)

Gene: ADGRA3 (adhesion G protein-coupled receptor A3; minus strand). Cytogenetic location: 4p15.2.
Variant type: single nucleotide variant.
Coding change: c.2988C>T on transcript NM_145290.4 (MANE Select); coding-DNA position 2988, C replaced by T.
Protein change: p.Leu996=; no amino-acid change (leucine 996 retained).
Molecular consequence: synonymous variant.
Genome position (GRCh38, 1-based): chr4:22,388,683, G>A on the plus strand (C>T on the coding strand, the complement: ADGRA3 is on the minus strand). VCF-style: chr4-22388683-G-A. GRCh37 (hg19) VCF-style: chr4-22390306-G-A.
Identifiers: ClinVar variation 3054518 (VCV003054518.2), dbSNP rs759401316, ClinGen allele CA2873470.

ClinVar aggregate classification (germline): Likely benign (0 of 4 stars; one submission).

Conditions:
ADGRA3-related disorder. Also called: ADGRA3-related condition.

Allele frequency attached by ClinVar (database versions not stated): gnomAD 0.00002; TOPMed 0.00002.
gnomAD v4.1: 18 of 1,613,918 alleles (0.0011%); highest among the groups gnomAD compares: East Asian, 0.0022%; no homozygotes.

Submission:

PreventionGenetics, part of Exact Sciences
Classification: Likely benign for ADGRA3-related condition. Last evaluated: 2022-03-10. Review status: no assertion criteria provided. Collection method: clinical testing. Allele origin: germline.
Comment: This variant is classified as likely benign based on ACMG/AMP sequence variant interpretation guidelines (Richards et al. 2015 PMID: 25741868, with internal and published modifications).